The following is an entry in ClinVar:

NM_001040108.2(MLH3):c.1973T>C (p.Leu658Ser)

Gene: MLH3 (mutL homolog 3; minus strand). Cytogenetic location: 14q24.3.
Variant type: single nucleotide variant.
Coding change: c.1973T>C on transcript NM_001040108.2 (MANE Select); coding-DNA position 1973, T replaced by C.
Protein change: p.Leu658Ser; replaces leucine 658 with serine.
Molecular consequence: missense variant.
Genome position (GRCh38, 1-based): chr14:75,047,683, A>G on the plus strand (T>C on the coding strand, the complement: MLH3 is on the minus strand). VCF-style: chr14-75047683-A-G. GRCh37 (hg19) VCF-style: chr14-75514386-A-G.
Other names: c.1973T>C, p.Leu658Ser (NM_014381.3); short protein forms L658S.
Identifiers: ClinVar variation 3232466 (VCV003232466.1), dbSNP rs2503281753, ClinGen allele CA390443562.
Genomic context (GRCh38, chr14:75,047,683, plus strand): 5'-TTCGTTCTGCAATTTTTTTTGTTGGGCAATTGACCAGATTCTTTACTTAAAGTGCTGGCT[A>G]AATCTTTGATGTCTGGAGTTTCAACTGAATGACGTGTTCTATTTCCAAATGTTTCTTGGG-3'
Protein context (NP_001035197.1, residues 648-668): HSVETPDIKD[Leu658Ser]ASTLSKESGQ

ClinVar aggregate classification (germline): Uncertain significance (1 of 4 stars; one submission).

Submission:

Ambry Genetics
Classification: Uncertain significance. Last evaluated: 2024-03-13. Review status: criteria provided, single submitter. Criteria: Ambry Variant Classification Scheme 2023. Collection method: clinical testing. Allele origin: germline.
Comment: The p.L658S variant (also known as c.1973T>C), located in coding exon 1 of the MLH3 gene, results from a T to C substitution at nucleotide position 1973. The leucine at codon 658 is replaced by serine, an amino acid with dissimilar properties. This amino acid position is conserved. In addition, this alteration is predicted to be tolerated by in silico analysis. Based on the available evidence, the clinical significance of this alteration remains unclear.